The following is an entry in ClinVar:

ClinVar aggregate classification (germline): Pathogenic. Review status: reviewed by expert panel (3 of 4 stars). 13 submissions from 13 submitters: Pathogenic (1). 12 of the submissions do not count toward it. Last evaluated 2017-04-03.

Conditions:
BRAF-related disorder. Also called: BRAF-related condition.
Inborn genetic diseases. Identifiers: MedGen C0950123, MeSH D030342.
Cardio-facio-cutaneous syndrome. Also called: Cardiofaciocutaneous syndrome; CFC syndrome. Identifiers: Orphanet 1340, MedGen C1275081, MONDO:0015280. Disease mechanism: gain of function.
Noonan syndrome (NS). Also called: Noonan's syndrome. Identifiers: Orphanet 648, MedGen C0028326, MeSH D009634, MONDO:0018997. Disease mechanism: gain of function.
RASopathy. Also called: rasopathies; Noonan spectrum disorder. Identifiers: Orphanet 536391, MedGen C5555857, MONDO:0021060.
Cardiofaciocutaneous syndrome 1 (CFC1). Also called: BRAF-Related Cardiofaciocutaneous Syndrome. Identifiers: Orphanet 1340, MedGen CN029449, MONDO:0007265, OMIM 115150. Disease mechanism: gain of function.

Submissions 1 to 8 of 13:

ClinGen RASopathy Variant Curation Expert Panel
Classification: Pathogenic for Noonan syndrome and Noonan-related syndrome. Last evaluated: 2017-04-03. Review status: reviewed by expert panel. Criteria: ClinGen RASopathy ACMG Specifications v1. Collection method: curation. Allele origin: germline. Inheritance: Autosomal dominant inheritance.
Comment: The c.1787G>T (p.Gly596Val) variant in BRAF has been reported in the literature in at least 2 unconfirmed de novo occurrences in patients with clinical features of a RASopathy (PM6_Strong; PMID 16439621, 25463315, Partners LMM and GeneDx internal data; GTR ID's: 21766, 26957; ClinVar SCV000197137, SCV000057237). In vitro functional studies provide some evidence that the p.Gly596Val variant may impact protein function (PS3; PMID 18413255). This variant was absent from large population studies (PM2; ExAC). The variant is located in the BRAF gene, which has been defined by the ClinGen RASopathy Expert Panel as a gene with a low rate of benign missense variants and pathogenic missense variants are common (PP2; PMID 29493581). Computational prediction tools and conservation analysis suggest that the p.Gly596Val variant may impact the protein (PP3). Furthermore, the variant is in a location that has been defined by the ClinGen RASopathy Expert Panel to be a mutational hotspot or domain of BRAF (PM1; PMID 29493581). In summary, this variant meets criteria to be classified as pathogenic for RASopathies in an autosomal dominant manner. Rasopathy-specific ACMG/AMP criteria applied (PMID:29493581): PM6_Strong, PS3, PM2, PP2, PP3, PM1.

3billion
Classification: Pathogenic for BRAF-related disorder. Last evaluated: 2025-11-06. Review status: criteria provided, single submitter. Criteria: ACMG Guidelines, 2015. Collection method: clinical testing. Allele origin: germline. Affected: yes. Not counted in ClinVar's aggregate classification.
Comment: The variant is not observed in the gnomAD v4.1.0 dataset. Predicted Consequence/Location: The variant is located in a mutational hot spot and/or well-established functional domain in which established pathogenic variants have been reported (PMID: 29493581). Missense variant. Missense changes are a common disease-causing mechanism. Functional studies provide strong evidence of the variant having a damaging effect on the gene or gene product (PMID: 18413255). In silico tool predictions suggest damaging effect of the variant on gene or gene product [REVEL: 0.99 (>=0.6, sensitivity 0.68 and specificity 0.92); 3Cnet: 0.99 (> 0.75, sensitivity 0.96 and precision 0.92)]. The same nucleotide change resulting in the same amino acid change has been previously reported as pathogenic/likely pathogenic with strong evidence (ClinVar ID: VCV000040387 /PMID: 16439621 /3billion dataset). The variant has been previously reported as assumed (i.e. paternity and maternity not confirmed) de novo in at least two similarly affected unrelated individuals (PMID: 16439621, 25463315). A different missense change at the same codon (p.Gly596Cys) has been reported to be associated with BRAF-related disorder (ClinVar ID: VCV000044814). Therefore, this variant is classified as Pathogenic according to the recommendation of ACMG/AMP guideline.

Laboratory of Genetics, Children's Clinical University Hospital Latvia
Classification: Pathogenic. Last evaluated: 2025-02-16. Review status: criteria provided, single submitter. Criteria: ACMG Guidelines, 2015. Collection method: clinical testing. Allele origin: germline. Affected: yes. Not counted in ClinVar's aggregate classification.

Victorian Clinical Genetics Services, Murdoch Childrens Research Institute
Classification: Pathogenic for Cardiofaciocutaneous syndrome 1. Last evaluated: 2023-07-16. Review status: criteria provided, single submitter. Criteria: ACMG Guidelines, 2015. Collection method: clinical testing. Allele origin: germline. Inheritance: Autosomal dominant inheritance. Affected: yes. Not counted in ClinVar's aggregate classification.
Comment: Based on the classification scheme VCGS_Germline_v1.3.4, this variant is classified as Pathogenic. Following criteria are met: 0101 - Gain of function is a known mechanism of disease in this gene and is associated with cardiofaciocutaneous syndrome (MIM#115150), LEOPARD syndrome (MIM#3613707) and Noonan syndrome (MIM#7613706). (I) 0107 - This gene is associated with autosomal dominant disease. (I) 0200 - Variant is predicted to result in a missense amino acid change from glycine to valine. (I) 0251 - This variant is heterozygous. (I) 0301 - Variant is absent from gnomAD (both v2 and v3). (SP) 0501 - Missense variant consistently predicted to be damaging by multiple in silico tools or highly conserved with a major amino acid change. (SP) 0801 - This variant has strong previous evidence of pathogenicity in unrelated individuals. The germline variant has been reported multiple times as likely pathogenic and pathogenic in individuals with RASopathies, including Noonan syndrome (NS) and cardiofaciocutaneous (CFC) syndrome (ClinVar, PMID: 33040082). (SP) Legend: (SP) - Supporting pathogenic, (I) - Information, (SB) - Supporting benign

Labcorp Genetics (formerly Invitae), Labcorp
Classification: Pathogenic for RASopathy. Last evaluated: 2022-07-01. Review status: criteria provided, single submitter. Criteria: Invitae Variant Classification Sherloc (09022015). Collection method: clinical testing. Allele origin: germline. Not counted in ClinVar's aggregate classification.
Comment: For these reasons, this variant has been classified as Pathogenic. Experimental studies are conflicting or provide insufficient evidence to determine the effect of this variant on BRAF function (PMID: 16439621, 18413255, 19376813). Advanced modeling of protein sequence and biophysical properties (such as structural, functional, and spatial information, amino acid conservation, physicochemical variation, residue mobility, and thermodynamic stability) performed at Invitae indicates that this missense variant is expected to disrupt BRAF protein function. ClinVar contains an entry for this variant (Variation ID: 40387). This missense change has been observed in individual(s) with cardio-facio-cutaneous syndrome (PMID: 16439621, 25463315). In at least one individual the variant was observed to be de novo. This variant is not present in population databases (gnomAD no frequency). This sequence change replaces glycine, which is neutral and non-polar, with valine, which is neutral and non-polar, at codon 596 of the BRAF protein (p.Gly596Val).

Centre for Mendelian Genomics, University Medical Centre Ljubljana
Classification: Pathogenic for Cardiofaciocutaneous syndrome 1. Last evaluated: 2019-08-20. Review status: criteria provided, single submitter. Criteria: ACMG Guidelines, 2015. Collection method: clinical testing. Allele origin: unknown. Affected: yes. Not counted in ClinVar's aggregate classification.
Comment: This variant was classified as: Pathogenic. The following ACMG criteria were applied in classifying this variant: PS3,PM1,PM2,PM6_Strong,PP2,PP3,PP4.

Ambry Genetics
Classification: Likely pathogenic for Inborn genetic diseases. Last evaluated: 2018-01-10. Review status: criteria provided, single submitter. Criteria: Ambry exome assertion method (8-5-2015). Collection method: clinical testing. Allele origin: germline. Affected: yes. Observed: 1 variant allele. Not counted in ClinVar's aggregate classification.

Laboratory for Molecular Medicine, Mass General Brigham Personalized Medicine
Classification: Pathogenic for Noonan syndrome; Cardio-facio-cutaneous syndrome. Last evaluated: 2014-09-10. Review status: criteria provided, single submitter. Criteria: LMM Criteria. Collection method: clinical testing. Allele origin: germline. Inheritance: Autosomal dominant inheritance. Observed: 4 variant alleles. Not counted in ClinVar's aggregate classification.
Comment: The Gly596Val variant has been identified in 7 individuals with clinical feature s of Cardio-facio-cutaneous syndrome (CFC) and 3 individuals with clinical featu res of Noonan syndrome (Rodriguez-Viciana 2006, Yoon 2007, Rodriguez-Viciana 200 8, LMM unpublished data). It was absent from large population studies. In-vitro functional studies provide some evidence that the Gly596Val variant may impact p rotein function (Rodrigues-Viciana 2006). Furthermore, animal models in zebrafis h have shown that this variant causes severe developmental abnormalities (Anasta saki 2009). In summary, this variant meets our criteria to be classified as path ogenic (ne/).

NM_004333.6(BRAF):c.1787G>T (p.Gly596Val)

Gene: BRAF (B-Raf proto-oncogene, serine/threonine kinase; minus strand). Cytogenetic location: 7q34.
Variant type: single nucleotide variant.
Coding change: c.1787G>T on transcript NM_004333.6 (MANE Select); coding-DNA position 1787, G replaced by T.
Protein change: p.Gly596Val; replaces glycine 596 with valine.
Molecular consequence: missense variant.
Genome position (GRCh38, 1-based): chr7:140,753,348, C>A on the plus strand (G>T on the coding strand, the complement: BRAF is on the minus strand). VCF-style: chr7-140753348-C-A. GRCh37 (hg19) VCF-style: chr7-140453148-C-A.
Other names: p.G596V:GGT>GTT; NM_004333.4(BRAF):c.1787G>T; c.1787G>T, p.Gly596Val (NM_001354609.2, NM_001378468.1, NM_001378474.1); c.1907G>T, p.Gly636Val (NM_001374244.1, NM_001374258.1); c.1796G>T, p.Gly599Val (NM_001378467.1); c.1721G>T, p.Gly574Val (NM_001378469.1); c.1685G>T, p.Gly562Val (NM_001378470.1); c.1676G>T, p.Gly559Val (NM_001378471.1); and 2 more; short protein forms G596V, G508V, G599V, G544V, G559V, G574V, G562V, G636V.
Identifiers: ClinVar variation 40387 (VCV000040387.34), dbSNP rs397507483, ClinGen allele CA220161.
Genomic context (GRCh38, chr7:140,753,348, plus strand): 5'-GATCCAGACAACTGTTCAAACTGATGGGACCCACTCCATCGAGATTTCACTGTAGCTAGA[C>A]CAAAATCACCTATTTTTACTGTGAGGTCTTCATGAAGAAATATATCTGAGGTGTAGTAAG-3'
Protein context (NP_004324.2, residues 586-606): EDLTVKIGDF[Gly596Val]LATVKSRWSG